The following is an entry in ClinVar:

NM_001384317.1(ZHX3):c.2834C>G (p.Ser945Trp)

Gene: ZHX3 (zinc fingers and homeoboxes 3; minus strand). Cytogenetic location: 20q12.
Variant type: single nucleotide variant.
Coding change: c.2834C>G on transcript NM_001384317.1 (MANE Select); coding-DNA position 2834, C replaced by G.
Protein change: p.Ser945Trp; replaces serine 945 with tryptophan.
Molecular consequence: missense variant. On other transcripts: intron variant (1).
Genome position (GRCh38, 1-based): chr20:41,202,083, G>C on the plus strand (C>G on the coding strand, the complement: ZHX3 is on the minus strand). VCF-style: chr20-41202083-G-C. GRCh37 (hg19) VCF-style: chr20-39830723-G-C.
Other names: c.2834C>G, p.Ser945Trp (NM_001384315.1, NM_001384316.1, NM_001384318.1 and 7 more transcripts); c.2634+200C>G (NM_001384324.1); short protein forms S945W.
Identifiers: ClinVar variation 3193551 (VCV003193551.3), dbSNP rs762813790, ClinGen allele CA9859730.
Genomic context (GRCh38, chr20:41,202,083, plus strand): 5'-CACAGGATAGCCATGGCCCCTGTGGACTCCTTACCGAGCTGACGTCCAGCCTGGGGACTC[G>C]ATGTGTCAAAGGGCTCTGAGCTGGCCTCAGGGACACGGGGCTCCCACGACTCACTGTTCT-3'
Protein context (NP_001371246.1, residues 935-955): PEASSEPFDT[Ser945Trp]SPQAGRQLET

ClinVar aggregate classification (germline): Uncertain significance. Review status: criteria provided, multiple submitters, no conflicts (2 of 4 stars). 2 submissions from 2 submitters: Uncertain significance (2). Last evaluated 2024-08-05.

Allele frequency attached by ClinVar (database versions not stated): gnomAD 0.00001.
gnomAD v4.1: 35 of 1,606,796 alleles (0.0022%); highest among the groups gnomAD compares: Admixed American, 0.059%; no homozygotes.

Submissions (2):

Labcorp Genetics (formerly Invitae), Labcorp
Classification: Uncertain significance. Last evaluated: 2024-08-05. Review status: criteria provided, single submitter. Criteria: Invitae Variant Classification Sherloc (09022015). Collection method: clinical testing. Allele origin: germline.
Comment: This sequence change replaces serine, which is neutral and polar, with tryptophan, which is neutral and slightly polar, at codon 945 of the ZHX3 protein (p.Ser945Trp). This variant is present in population databases (rs762813790, gnomAD 0.07%), and has an allele count higher than expected for a pathogenic variant. This variant has not been reported in the literature in individuals affected with ZHX3-related conditions. An algorithm developed to predict the effect of missense changes on protein structure and function (PolyPhen-2) suggests that this variant is likely to be tolerated. In summary, the available evidence is currently insufficient to determine the role of this variant in disease. Therefore, it has been classified as a Variant of Uncertain Significance.

Ambry Genetics
Classification: Uncertain significance. Last evaluated: 2023-12-20. Review status: criteria provided, single submitter. Criteria: Ambry Variant Classification Scheme 2023. Collection method: clinical testing. Allele origin: germline.